The following is an entry in ClinVar:

ClinVar aggregate classification (germline): Benign/Likely benign. Review status: criteria provided, multiple submitters, no conflicts (2 of 4 stars). 3 submissions from 3 submitters: Benign (1); Likely benign (2). Last evaluated 2025-01-22.

Conditions:
Familial cancer of breast. Also called: Hereditary breast cancer; BREAST CANCER, FAMILIAL; hereditary breast carcinoma. Identifiers: Orphanet 227535, MedGen C0346153, MONDO:0016419, OMIM 114480. Disease mechanism: loss of function.

Submissions (3):

Myriad Genetics, Inc.
Classification: Benign for Familial cancer of breast. Last evaluated: 2025-01-22. Review status: criteria provided, single submitter. Criteria: Myriad Autosomal Dominant, Autosomal Recessive and X-Linked Classification Criteria (2023). Collection method: clinical testing. Allele origin: unknown.
Comment: This variant is considered benign. This variant is a silent/synonymous amino acid change and it is not expected to impact splicing.

Labcorp Genetics (formerly Invitae), Labcorp
Classification: Likely benign for Familial cancer of breast. Last evaluated: 2025-01-06. Review status: criteria provided, single submitter. Criteria: Invitae Variant Classification Sherloc (09022015). Collection method: clinical testing. Allele origin: germline.

CeGaT Center for Human Genetics Tuebingen
Classification: Likely benign. Last evaluated: 2023-11-01. Review status: criteria provided, single submitter. Criteria: CeGaT Center For Human Genetics Tuebingen Variant Classification Criteria Version 2. Collection method: clinical testing. Allele origin: germline. Affected: yes. Observed: 1 variant allele.
Comment: PALB2: PM2:Supporting, BP4, BP7

NM_024675.4(PALB2):c.3300T>C (p.Thr1100=)

Gene: PALB2 (partner and localizer of BRCA2; minus strand). Cytogenetic location: 16p12.2.
Variant type: single nucleotide variant.
Coding change: c.3300T>C on transcript NM_024675.4 (MANE Select); coding-DNA position 3300, T replaced by C.
Protein change: p.Thr1100=; no amino-acid change (threonine 1100 retained).
Molecular consequence: synonymous variant. On other transcripts: intron variant (8).
Genome position (GRCh38, 1-based): chr16:23,607,914, A>G on the plus strand (T>C on the coding strand, the complement: PALB2 is on the minus strand). VCF-style: chr16-23607914-A-G. GRCh37 (hg19) VCF-style: chr16-23619235-A-G.
Other names: c.3240T>C, p.Thr1080= (NM_001407296.1); c.3228T>C, p.Thr1076= (NM_001407297.1); c.3138T>C, p.Thr1046= (NM_001407298.1); c.3021T>C, p.Thr1007= (NM_001407300.1); c.2415T>C, p.Thr805= (NM_001407304.1, NM_001407305.1, NM_001407306.1); c.2253T>C, p.Thr751= (NM_001407307.1); c.1512T>C, p.Thr504= (NM_001407312.1); c.834T>C, p.Thr278= (NM_001407314.1); and 6 more.
Identifiers: ClinVar variation 2672623 (VCV002672623.25), dbSNP rs45516100, ClinGen allele CA494175567.